The following is an entry in ClinVar:

NM_006648.4(WNK2):c.4693G>T (p.Val1565Leu)

Gene: WNK2 (WNK lysine deficient protein kinase 2; plus strand). Cytogenetic location: 9q22.31.
Variant type: single nucleotide variant.
Coding change: c.4693G>T on transcript NM_006648.4 (MANE Select); coding-DNA position 4693, G replaced by T.
Protein change: p.Val1565Leu; replaces valine 1565 with leucine.
Molecular consequence: missense variant.
Genome position (GRCh38, 1-based): chr9:93,289,447, G>T. VCF-style: chr9-93289447-G-T. GRCh37 (hg19) VCF-style: chr9-96051729-G-T.
Other names: c.4804G>T, p.Val1602Leu (NM_001282394.3); short protein forms V1565L, V1602L.
Identifiers: ClinVar variation 3470743 (VCV003470743.2).

ClinVar aggregate classification (germline): Uncertain significance (1 of 4 stars; one submission).

gnomAD v4.1: 2 of 1,612,800 alleles (0.00012%); highest among the groups gnomAD compares: Non-Finnish European, 0.00017%; no homozygotes.

Submission:

Ambry Genetics
Classification: Uncertain significance. Last evaluated: 2025-02-26. Review status: criteria provided, single submitter. Criteria: Ambry Variant Classification Scheme 2023. Collection method: clinical testing. Allele origin: germline.
Comment: The p.V1565L variant (also known as c.4693G>T), located in coding exon 19 of the WNK2 gene, results from a G to T substitution at nucleotide position 4693. The valine at codon 1565 is replaced by leucine, an amino acid with highly similar properties. This amino acid position is conserved. In addition, this alteration is predicted to be tolerated by in silico analysis. Based on the available evidence, the clinical significance of this variant remains unclear.